The following is an entry in ClinVar:

NM_130837.3(OPA1):c.3048A>G (p.Ter1016=)

Gene: OPA1 (OPA1 mitochondrial dynamin like GTPase; plus strand). Cytogenetic location: 3q29.
Variant type: single nucleotide variant.
Coding change: c.3048A>G on transcript NM_130837.3 (MANE Select); coding-DNA position 3048, A replaced by G.
Protein change: p.Ter1016=.
Molecular consequence: synonymous variant.
Genome position (GRCh38, 1-based): chr3:193,692,127, A>G. VCF-style: chr3-193692127-A-G. GRCh37 (hg19) VCF-style: chr3-193409916-A-G.
Other names: c.2514A>G, p.Ter838= (NM_001354663.2); c.2511A>G, p.Ter837= (NM_001354664.2); c.2883A>G, p.Ter961= (NM_015560.3); c.2775A>G, p.Ter925= (NM_130831.3); c.2829A>G, p.Ter943= (NM_130832.3); c.2886A>G, p.Ter962= (NM_130833.3); c.2937A>G, p.Ter979= (NM_130834.3); c.3048A>G (NM_130837.2); and 2 more.
Identifiers: ClinVar variation 1666040 (VCV001666040.10), dbSNP rs143929819, ClinGen allele CA2759855.

ClinVar aggregate classification (germline): Likely benign. Review status: criteria provided, single submitter (1 of 4 stars). 2 submissions from 2 submitters: Likely benign (1). 1 of the submissions does not count toward it. Last evaluated 2025-11-01.

Conditions:
OPA1-related disorder. Also called: OPA1-related condition; OPA1-related disorders.

Allele frequency attached by ClinVar (database versions not stated): gnomAD exomes 0.00001 and 0.00004; ExAC 0.00003; 1000 Genomes Project 30x 0.00016; 1000 Genomes Project 0.00020.
gnomAD v4.1: 14 of 1,508,086 alleles (0.00093%); highest among the groups gnomAD compares: East Asian, 0.03%; no homozygotes.

Submissions (2):

Labcorp Genetics (formerly Invitae), Labcorp
Classification: Likely benign. Last evaluated: 2025-11-01. Review status: criteria provided, single submitter. Criteria: Invitae Variant Classification Sherloc (09022015). Collection method: clinical testing. Allele origin: germline.

PreventionGenetics, part of Exact Sciences
Classification: Likely benign for OPA1-related condition. Last evaluated: 2019-08-02. Review status: no assertion criteria provided. Collection method: clinical testing. Allele origin: germline. Not counted in ClinVar's aggregate classification.
Comment: This variant is classified as likely benign based on ACMG/AMP sequence variant interpretation guidelines (Richards et al. 2015 PMID: 25741868, with internal and published modifications).